The following is an entry in ClinVar:

ClinVar aggregate classification (germline): Benign (1 of 4 stars; one submission).

Allele frequency attached by ClinVar (database versions not stated): 1000 Genomes Project 30x 0.32245; 1000 Genomes Project 0.32628; TOPMed 0.34330; gnomAD 0.34392 and 0.34512; gnomAD exomes 0.35582.
gnomAD v4.1: 223,934 of 633,866 alleles (35%); highest among the groups gnomAD compares: Non-Finnish European, 38%; 40,778 homozygotes.

Submission:

GeneDx
Classification: Benign. Last evaluated: 2018-06-14. Review status: criteria provided, single submitter. Criteria: GeneDx Variant Classification (06012015). Collection method: clinical testing. Allele origin: germline. Affected: yes.
Comment: This variant is considered likely benign or benign based on one or more of the following criteria: it is a conservative change, it occurs at a poorly conserved position in the protein, it is predicted to be benign by multiple in silico algorithms, and/or has population frequency not consistent with disease.

NM_001127222.2(CACNA1A):c.4090-165G>A

Genes: CACNA1A (calcium voltage-gated channel subunit alpha1 A; minus strand), LOC126862864 (MED14-independent group 3 enhancer GRCh37_chr19:13371552-13372751; plus strand). Cytogenetic location: 19p13.13.
Variant type: single nucleotide variant.
Coding change: c.4090-165G>A on transcript NM_001127222.2 (MANE Select); 165 bases into the intron before coding-DNA position 4090, G replaced by A.
Molecular consequence: intron variant.
Genome position (GRCh38, 1-based): chr19:13,261,775, C>T on the plus strand (G>A on the coding strand, the complement: CACNA1A is on the minus strand). VCF-style: chr19-13261775-C-T. GRCh37 (hg19) VCF-style: chr19-13372589-C-T.
Other names: c.4093-165G>A (NM_001127221.2, NM_001174080.2); c.4102-165G>A (NM_000068.4, NM_023035.3).
Identifiers: ClinVar variation 678177 (VCV000678177.1), dbSNP rs2074879, ClinGen allele CA16568541.